The following is an entry in ClinVar:

ClinVar aggregate classification (germline): Conflicting classifications of pathogenicity. Review status: criteria provided, conflicting classifications (1 of 4 stars). 4 submissions from 4 submitters: Uncertain significance (3); Likely benign (1). Last evaluated 2025-09-20.

Conditions:
Lung cancer. Also called: Lung cancer, somatic; Malignant tumor of lung. Identifiers: MedGen C0242379, MONDO:0008903, OMIM 211980.
Hereditary cancer-predisposing syndrome. Also called: Tumor predisposition; Hereditary neoplastic syndrome; Hereditary Cancer Syndrome; Neoplastic Syndromes, Hereditary. Identifiers: Orphanet 140162, MedGen C0027672, MeSH D009386, MONDO:0015356.
EGFR-related lung cancer (EGFR). Identifiers: MedGen CN130014.

Allele frequency attached by ClinVar (database versions not stated): TOPMed 0.00001.
gnomAD v4.1: 28 of 1,613,512 alleles (0.0017%); highest among the groups gnomAD compares: Non-Finnish European, 0.0022%; no homozygotes.

Submissions (4):

Labcorp Genetics (formerly Invitae), Labcorp
Classification: Uncertain significance for EGFR-related lung cancer. Last evaluated: 2025-09-20. Review status: criteria provided, single submitter. Criteria: Invitae Variant Classification Sherloc (09022015). Collection method: clinical testing. Allele origin: germline.
Comment: This sequence change replaces leucine, which is neutral and non-polar, with arginine, which is basic and polar, at codon 730 of the EGFR protein (p.Leu730Arg). This variant is present in population databases (rs771995749, gnomAD 0.009%). This variant has not been reported in the literature in individuals affected with EGFR-related conditions. ClinVar contains an entry for this variant (Variation ID: 962310). Invitae Evidence Modeling of protein sequence and biophysical properties (such as structural, functional, and spatial information, amino acid conservation, physicochemical variation, residue mobility, and thermodynamic stability) indicates that this missense variant is not expected to disrupt EGFR protein function with a negative predictive value of 80%. In summary, the available evidence is currently insufficient to determine the role of this variant in disease. Therefore, it has been classified as a Variant of Uncertain Significance.

Ambry Genetics
Classification: Uncertain significance for Hereditary cancer-predisposing syndrome. Last evaluated: 2025-01-02. Review status: criteria provided, single submitter. Criteria: Ambry Variant Classification Scheme 2023. Collection method: clinical testing. Allele origin: germline.
Comment: The p.L730R variant (also known as c.2189T>G), located in coding exon 19 of the EGFR gene, results from a T to G substitution at nucleotide position 2189. The leucine at codon 730 is replaced by arginine, an amino acid with dissimilar properties. This amino acid position is highly conserved in available vertebrate species. In addition, this alteration is predicted to be deleterious by in silico analysis. Based on the available evidence, the clinical significance of this variant remains unclear.

Myriad Genetics, Inc.
Classification: Likely benign for Lung cancer. Last evaluated: 2024-10-16. Review status: criteria provided, single submitter. Criteria: Myriad Autosomal Dominant, Autosomal Recessive and X-Linked Classification Criteria (2023). Collection method: clinical testing. Allele origin: unknown.
Comment: This variant is considered likely benign. This variant has been observed at a population frequency that is significantly greater than expected given the associated disease prevalence and penetrance.

Sema4
Classification: Uncertain significance for Hereditary cancer-predisposing syndrome. Last evaluated: 2021-10-06. Review status: criteria provided, single submitter. Criteria: Sema4 Curation Guidelines. Collection method: curation. Allele origin: germline.
Comment: The EGFR c.2189T>G (p.L730R) variant has been detected in tumor samples from at least four individuals with lung cancer (PMID: 25288236, 29290256, 32512509). In vitro studies have showned that the variant may confer resistence to tyrosine kinase inhibitors in tumor cell lines (PMID: 32512509). It was observed in 10/113754 (0.009%) chromosomes of the Non-Finnish European subpopulation, with no homozygotes, in the large and broad cohorts of the Genome Aggregation Database (PMID: 32461654). The variant has been reported in ClinVar (Variation ID 962310). In silico predictions of the variant's effect on protein function are inconclusive. The current evidence is insufficient to meet ACMG/AMP criteria for classifying the variant as benign or pathogenic. Thus, the clinical significance of this variant is currently uncertain.

Literature cited by the submitters: PubMed 25288236 (cited by Sema4); PubMed 29290256 (cited by Sema4); PubMed 32512509 (cited by Sema4).

NM_005228.5(EGFR):c.2189T>G (p.Leu730Arg)

Gene: EGFR (epidermal growth factor receptor; plus strand). Cytogenetic location: 7p11.2.
Variant type: single nucleotide variant.
Coding change: c.2189T>G on transcript NM_005228.5 (MANE Select); coding-DNA position 2189, T replaced by G.
Protein change: p.Leu730Arg; replaces leucine 730 with arginine.
Molecular consequence: missense variant.
Genome position (GRCh38, 1-based): chr7:55,174,726, T>G. VCF-style: chr7-55174726-T-G. GRCh37 (hg19) VCF-style: chr7-55242419-T-G.
Other names: c.2054T>G, p.Leu685Arg (NM_001346897.2, NM_001346899.2); c.2189T>G, p.Leu730Arg (NM_001346898.2); c.2030T>G, p.Leu677Arg (NM_001346900.2); c.1388T>G, p.Leu463Arg (NM_001346941.2); short protein forms L677R, L685R, L463R, L730R.
Identifiers: ClinVar variation 962310 (VCV000962310.10), dbSNP rs771995749, ClinGen allele CA4266010.
Genomic context (GRCh38, chr7:55,174,726, plus strand): 5'-CATGTGGCACCATCTCACAATTGCCAGTTAACGTCTTCCTTCTCTCTCTGTCATAGGGAC[T>G]CTGGATCCCAGAAGGTGAGAAAGTTAAAATTCCCGTCGCTATCAAGGAATTAAGAGAAGC-3'
Protein context (NP_005219.2, residues 720-740): SGAFGTVYKG[Leu730Arg]WIPEGEKVKI